The following is an entry in ClinVar:

NM_002905.5(RDH5):c.569+1G>A

Genes: RDH5 (retinol dehydrogenase 5; plus strand), BLOC1S1-RDH5 (BLOC1S1-RDH5 readthrough; plus strand). Cytogenetic location: 12q13.2.
Variant type: single nucleotide variant.
Coding change: c.569+1G>A on transcript NM_002905.5 (MANE Select); the canonical splice donor site of the intron after coding-DNA position 569, G replaced by A.
Molecular consequence: splice donor variant.
Genome position (GRCh38, 1-based): chr12:55,721,948, G>A. VCF-style: chr12-55721948-G-A. GRCh37 (hg19) VCF-style: chr12-56115732-G-A.
Other names: c.569+1G>A (NM_001199771.3).
Identifiers: ClinVar variation 2765616 (VCV002765616.3), dbSNP rs2540004249, ClinGen allele CA385201273.

ClinVar aggregate classification (germline): Likely pathogenic (1 of 4 stars; one submission).

Allele frequency attached by ClinVar (database versions not stated): gnomAD exomes below 0.00001.
gnomAD v4.1: 1 of 1,612,818 alleles (0.000062%); highest among the groups gnomAD compares: Admixed American, 0.0017%; no homozygotes.

Submission:

Labcorp Genetics (formerly Invitae), Labcorp
Classification: Likely pathogenic. Last evaluated: 2023-10-04. Review status: criteria provided, single submitter. Criteria: Invitae Variant Classification Sherloc (09022015). Collection method: clinical testing. Allele origin: germline.
Comment: This sequence change affects a donor splice site in intron 3 of the RDH5 gene. It is expected to disrupt RNA splicing. Variants that disrupt the donor or acceptor splice site typically lead to a loss of protein function (PMID: 16199547), and loss-of-function variants in RDH5 are known to be pathogenic (PMID: 11675386, 22815624). This variant is not present in population databases (gnomAD no frequency). This variant has not been reported in the literature in individuals affected with RDH5-related conditions. Algorithms developed to predict the effect of sequence changes on RNA splicing suggest that this variant may disrupt the consensus splice site. In summary, the currently available evidence indicates that the variant is pathogenic, but additional data are needed to prove that conclusively. Therefore, this variant has been classified as Likely Pathogenic.

Literature cited by the submitters: PubMed 16199547; PubMed 11675386; PubMed 22815624.